The following is an entry in ClinVar:

ClinVar aggregate classification (germline): Likely benign. Review status: criteria provided, multiple submitters, no conflicts (2 of 4 stars). 2 submissions from 2 submitters: Likely benign (2). Last evaluated 2025-04-04.

Conditions:
ANKRD11-related disorder. Also called: ANKRD11-related condition.
KBG syndrome (KBGS). Also called: ANKRD11-Related KBG Syndrome. Identifiers: Orphanet 2332, MedGen C0220687, MONDO:0007846, OMIM 148050.

Allele frequency attached by ClinVar (database versions not stated): ExAC 0.00001; gnomAD 0.00001; gnomAD exomes 0.00001 and 0.00002; TOPMed 0.00001.

Submissions (2):

PreventionGenetics, part of Exact Sciences
Classification: Likely benign for ANKRD11-related condition. Last evaluated: 2025-04-04. Review status: criteria provided, single submitter. Criteria: ACMG Guidelines, 2015. Collection method: clinical testing. Allele origin: germline.
Comment: This variant is classified as likely benign based on ACMG/AMP sequence variant interpretation guidelines (Richards et al. 2015 PMID: 25741868, with internal and published modifications).

Labcorp Genetics (formerly Invitae), Labcorp
Classification: Likely benign for KBG syndrome. Last evaluated: 2023-05-25. Review status: criteria provided, single submitter. Criteria: Invitae Variant Classification Sherloc (09022015). Collection method: clinical testing. Allele origin: germline.

NM_013275.6(ANKRD11):c.892+10G>A

Gene: ANKRD11 (ankyrin repeat domain 11; minus strand). Cytogenetic location: 16q24.3.
Variant type: single nucleotide variant.
Coding change: c.892+10G>A on transcript NM_013275.6 (MANE Select); 10 bases into the intron after coding-DNA position 892, G replaced by A.
Molecular consequence: intron variant.
Genome position (GRCh38, 1-based): chr16:89,286,029, C>T on the plus strand (G>A on the coding strand, the complement: ANKRD11 is on the minus strand). VCF-style: chr16-89286029-C-T. GRCh37 (hg19) VCF-style: chr16-89352437-C-T.
Other names: c.892+10G>A (NM_001256183.2, NM_001256182.2).
Identifiers: ClinVar variation 754050 (VCV000754050.7), dbSNP rs773653275, ClinGen allele CA8242910.